The following is an entry in ClinVar:

NM_021813.4(BACH2):c.595G>A (p.Val199Ile)

Gene: BACH2 (BACH transcriptional regulator 2; minus strand). Cytogenetic location: 6q15.
Variant type: single nucleotide variant.
Coding change: c.595G>A on transcript NM_021813.4 (MANE Select); coding-DNA position 595, G replaced by A.
Protein change: p.Val199Ile; replaces valine 199 with isoleucine.
Molecular consequence: missense variant.
Genome position (GRCh38, 1-based): chr6:89,951,511, C>T on the plus strand (G>A on the coding strand, the complement: BACH2 is on the minus strand). VCF-style: chr6-89951511-C-T. GRCh37 (hg19) VCF-style: chr6-90661230-C-T.
Other names: c.595G>A, p.Val199Ile (NM_001170794.2); short protein forms V199I.
Identifiers: ClinVar variation 3022943 (VCV003022943.3), dbSNP rs762444607, ClinGen allele CA3928136.

ClinVar aggregate classification (germline): Uncertain significance (1 of 4 stars; one submission).

Allele frequency attached by ClinVar (database versions not stated): ExAC 0.00002.
gnomAD v4.1: 17 of 1,614,250 alleles (0.0011%); highest among the groups gnomAD compares: Non-Finnish European, 0.0012%; no homozygotes.

Submission:

Labcorp Genetics (formerly Invitae), Labcorp
Classification: Uncertain significance. Last evaluated: 2025-12-26. Review status: criteria provided, single submitter. Criteria: Invitae Variant Classification Sherloc (09022015). Collection method: clinical testing. Allele origin: germline.
Comment: This sequence change replaces valine, which is neutral and non-polar, with isoleucine, which is neutral and non-polar, at codon 199 of the BACH2 protein (p.Val199Ile). This variant is present in population databases (rs762444607, gnomAD 0.006%). This variant has not been reported in the literature in individuals affected with BACH2-related conditions. ClinVar contains an entry for this variant (Variation ID: 3022943). Invitae Evidence Modeling of protein sequence and biophysical properties (such as structural, functional, and spatial information, amino acid conservation, physicochemical variation, residue mobility, and thermodynamic stability) indicates that this missense variant is not expected to disrupt BACH2 protein function with a negative predictive value of 80%. In summary, the available evidence is currently insufficient to determine the role of this variant in disease. Therefore, it has been classified as a Variant of Uncertain Significance.